The following is an entry in ClinVar:

ClinVar aggregate classification (germline): Pathogenic (1 of 4 stars; one submission).

Submission:

GeneDx
Classification: Pathogenic. Last evaluated: 2025-01-29. Review status: criteria provided, single submitter. Criteria: GeneDx Variant Classification Process June 2021. Collection method: clinical testing. Allele origin: germline. Affected: yes.
Comment: Frameshift variant predicted to result in protein truncation or nonsense mediated decay in a gene for which loss of function is a known mechanism of disease; Not observed at significant frequency in large population cohorts (gnomAD); Has not been previously published as pathogenic or benign to our knowledge

NM_001356.5(DDX3X):c.280_281dup (p.Arg95fs)

Gene: DDX3X (DEAD-box helicase 3 X-linked; plus strand). Cytogenetic location: Xp11.4.
Variant type: Duplication.
Coding change: c.280_281dup on transcript NM_001356.5 (MANE Select); coding-DNA positions 280 to 281, 2 bases duplicated (GG; older notation c.280_281dupGG).
Protein change: p.Arg95fs; shifts the reading frame from arginine 95.
Molecular consequence: frameshift variant. On other transcripts: 5 prime UTR variant (1), non-coding transcript variant (1).
Genome position (GRCh38, 1-based): chrX:41,341,612-41,341,613, GG duplicated; duplicating any 2 consecutive bases within chrX:41,341,610-41,341,613 gives the same sequence; the c. name uses the placement nearest the transcript's 3' end. VCF-style (leftmost placement, unchanged base first): chrX-41341609-A-AGG. GRCh37 (hg19) VCF-style: chrX-41200862-A-AGG.
Other names: c.280_281dup, p.Arg95fs (NM_001193416.3); c.232_233dup, p.Arg79fs (NM_001193417.3); c.-279_-278dup (NM_001363819.1); short protein forms R79fs, R95fs.
Identifiers: ClinVar variation 4072471 (VCV004072471.1).